The following is an entry in ClinVar:

NM_001113378.2(FANCI):c.3247A>G (p.Thr1083Ala)

Gene: FANCI (FA complementation group I; plus strand). Cytogenetic location: 15q26.1.
Variant type: single nucleotide variant.
Coding change: c.3247A>G on transcript NM_001113378.2 (MANE Select); coding-DNA position 3247, A replaced by G.
Protein change: p.Thr1083Ala; replaces threonine 1083 with alanine.
Molecular consequence: missense variant.
Genome position (GRCh38, 1-based): chr15:89,305,401, A>G. VCF-style: chr15-89305401-A-G. GRCh37 (hg19) VCF-style: chr15-89848632-A-G.
Other names: c.2968A>G, p.Thr990Ala (NM_001376910.1); c.3247A>G, p.Thr1083Ala (NM_001376911.1); c.3067A>G, p.Thr1023Ala (NM_018193.3); short protein forms T1083A, T1023A, T990A.
Identifiers: ClinVar variation 317293 (VCV000317293.8), dbSNP rs886051513, ClinGen allele CA10647456.

ClinVar aggregate classification (germline): Uncertain significance. Review status: criteria provided, multiple submitters, no conflicts (2 of 4 stars). 4 submissions from 4 submitters: Uncertain significance (4). Last evaluated 2025-07-31.

Conditions:
Inborn genetic diseases. Identifiers: MedGen C0950123, MeSH D030342.
Fanconi anemia complementation group I (FANCI). Also called: FANCI-Related Fanconi Anemia. Identifiers: Orphanet 84, MedGen C1836861, MONDO:0012186, OMIM 609053.
Fanconi anemia (FA). Also called: Fanconi's anemia. Identifiers: Orphanet 84, MedGen C0015625, MeSH D005199, MONDO:0019391.

Allele frequency attached by ClinVar (database versions not stated): gnomAD 0.00001; TOPMed 0.00002.
gnomAD v4.1: 1 of 1,613,310 alleles (0.000062%); highest among the groups gnomAD compares: Non-Finnish European, 0.000085%; no homozygotes.

Submissions (4):

Ambry Genetics
Classification: Uncertain significance for Inborn genetic diseases. Last evaluated: 2025-07-31. Review status: criteria provided, single submitter. Criteria: Ambry Variant Classification Scheme 2023. Collection method: clinical testing. Allele origin: germline.

Labcorp Genetics (formerly Invitae), Labcorp
Classification: Uncertain significance for Fanconi anemia. Last evaluated: 2022-05-25. Review status: criteria provided, single submitter. Criteria: Invitae Variant Classification Sherloc (09022015). Collection method: clinical testing. Allele origin: germline.
Comment: This sequence change replaces threonine, which is neutral and polar, with alanine, which is neutral and non-polar, at codon 1083 of the FANCI protein (p.Thr1083Ala). This variant is not present in population databases (gnomAD no frequency). This variant has not been reported in the literature in individuals affected with FANCI-related conditions. ClinVar contains an entry for this variant (Variation ID: 317293). Algorithms developed to predict the effect of missense changes on protein structure and function output the following: SIFT: "Tolerated"; PolyPhen-2: "Benign"; Align-GVGD: "Class C0". The alanine amino acid residue is found in multiple mammalian species, which suggests that this missense change does not adversely affect protein function. In summary, the available evidence is currently insufficient to determine the role of this variant in disease. Therefore, it has been classified as a Variant of Uncertain Significance.

Sema4
Classification: Uncertain significance for Fanconi anemia. Last evaluated: 2022-01-04. Review status: criteria provided, single submitter. Criteria: Sema4 Curation Guidelines. Collection method: curation. Allele origin: germline.
Comment: The FANCI c.3247A>G (p.T1083A) variant has not been reported in the literature to our knowledge. This variant has not been reported in the large and broad cohorts of the Genome Aggregation Database (PMID: 32461654). The variant has been reported in ClinVar (Variation ID 135106). Functional studies have not been performed, and in silico predictions of the variant's effect on protein function are inconclusive. The evidence is insufficient to meet ACMG/AMP criteria for classifying the variant as benign or pathogenic. Thus, the clinical significance of this variant is currently uncertain.

Illumina Laboratory Services, Illumina
Classification: Uncertain significance for Fanconi anemia complementation group I. Last evaluated: 2018-01-12. Review status: criteria provided, single submitter. Criteria: ICSL Variant Classification Criteria 13 December 2019. Collection method: clinical testing. Allele origin: germline.